The following is an entry in ClinVar:

ClinVar aggregate classification (germline): Uncertain significance (1 of 4 stars; one submission).

Conditions:
Hereditary diffuse gastric adenocarcinoma (HDGC). Also called: DIFFUSE GASTRIC AND LOBULAR BREAST CANCER SYNDROME. Identifiers: Orphanet 26106, MedGen C1708349, MONDO:0007648, OMIM 137215.

gnomAD v4.1: 1 of 1,351,408 alleles (0.000074%); highest among the groups gnomAD compares: Admixed American, 0.002%; no homozygotes.

Submission:

European Reference Network on Genetic Tumour Risk Syndromes (ERN-GENTURIS), i3s - Instituto de Investigação e Inovação em Saúde, University of Porto
Classification: Uncertain significance for Hereditary diffuse gastric adenocarcinoma. Last evaluated: 2022-08-01. Review status: criteria provided, single submitter. Criteria: Lee et al. (Hum Mutat. 2018). Collection method: clinical testing. Allele origin: germline. Inheritance: Autosomal dominant inheritance. Affected: no. Study: ERN GENTURIS.
Comment: PM2 (PMID: 30311375)

Literature cited by the submitters: PubMed 36436516.

NM_004360.5(CDH1):c.48+52C>A

Gene: CDH1 (cadherin 1; plus strand). Cytogenetic location: 16q22.1.
Variant type: single nucleotide variant.
Coding change: c.48+52C>A on transcript NM_004360.5 (MANE Select); 52 bases into the intron after coding-DNA position 48, C replaced by A.
Molecular consequence: intron variant.
Genome position (GRCh38, 1-based): chr16:68,737,515, C>A. VCF-style: chr16-68737515-C-A. GRCh37 (hg19) VCF-style: chr16-68771418-C-A.
Other names: c.-1568+52C>A (NM_001317185.2); c.-1772+52C>A (NM_001317186.2); c.48+52C>A (NM_001317184.2).
Identifiers: ClinVar variation 2502959 (VCV002502959.1), dbSNP rs112070254, ClinGen allele CA2580612823.